The following is an entry in ClinVar:

NM_001164508.2(NEB):c.3043-1G>A

Gene: NEB (nebulin; minus strand). Cytogenetic location: 2q23.3.
Variant type: single nucleotide variant.
Coding change: c.3043-1G>A on transcript NM_001164508.2 (MANE Select); the canonical splice acceptor site of the intron before coding-DNA position 3043, G replaced by A.
Molecular consequence: splice acceptor variant.
Genome position (GRCh38, 1-based): chr2:151,680,023, C>T on the plus strand (G>A on the coding strand, the complement: NEB is on the minus strand). VCF-style: chr2-151680023-C-T. GRCh37 (hg19) VCF-style: chr2-152536537-C-T.
Other names: c.3043-1G>A (NM_004543.5, NM_001164507.2, NM_001271208.2).
Identifiers: ClinVar variation 534028 (VCV000534028.7), dbSNP rs113326313, ClinGen allele CA348820768.

ClinVar aggregate classification (germline): Likely pathogenic (1 of 4 stars; one submission).

Conditions:
Nemaline myopathy 2 (NEM2). Also called: Nemaline myopathy 2, autosomal recessive. Identifiers: MedGen C1850569, MONDO:0009725, OMIM 256030.

Submission:

Labcorp Genetics (formerly Invitae), Labcorp
Classification: Likely pathogenic for Nemaline myopathy 2. Last evaluated: 2023-10-03. Review status: criteria provided, single submitter. Criteria: Invitae Variant Classification Sherloc (09022015). Collection method: clinical testing. Allele origin: germline.
Comment: This sequence change affects an acceptor splice site in intron 30 of the NEB gene. It is expected to disrupt RNA splicing. Variants that disrupt the donor or acceptor splice site typically lead to a loss of protein function (PMID: 16199547), and loss-of-function variants in NEB are known to be pathogenic (PMID: 25205138). This variant is not present in population databases (gnomAD no frequency). This variant has not been reported in the literature in individuals affected with NEB-related conditions. ClinVar contains an entry for this variant (Variation ID: 534028). Algorithms developed to predict the effect of sequence changes on RNA splicing suggest that this variant may disrupt the consensus splice site. In summary, the currently available evidence indicates that the variant is pathogenic, but additional data are needed to prove that conclusively. Therefore, this variant has been classified as Likely Pathogenic.

Literature cited by the submitters: PubMed 16199547; PubMed 25205138.